The following is an entry in ClinVar:

NM_001723.7(DST):c.7019C>T (p.Ser2340Phe)

Gene: DST (dystonin; minus strand). Cytogenetic location: 6p12.1.
Variant type: single nucleotide variant.
Coding change: c.7019C>T on transcript NM_001723.7 (MANE Plus Clinical); coding-DNA position 7019, C replaced by T.
Protein change: p.Ser2340Phe; replaces serine 2340 with phenylalanine.
Molecular consequence: missense variant. On other transcripts: intron variant (10).
Genome position (GRCh38, 1-based): chr6:56,616,448, G>A on the plus strand (C>T on the coding strand, the complement: DST is on the minus strand). VCF-style: chr6-56616448-G-A. GRCh37 (hg19) VCF-style: chr6-56481246-G-A.
Other names: c.4831-1964C>T (NM_001144769.5); c.4930-1964C>T (NM_001374722.1, NM_001374736.1); c.4957-1964C>T (NM_001374734.1); c.4417-1964C>T (NM_001144770.2); c.4297-1964C>T (NM_001374730.1, NM_001386100.1, NM_183380.4 and 1 more transcripts); c.3319-1964C>T (NM_015548.5); short protein forms S2340F.
Identifiers: ClinVar variation 1462075 (VCV001462075.5), dbSNP rs146858008, ClinGen allele CA3870047.

ClinVar aggregate classification (germline): Uncertain significance (1 of 4 stars; one submission).

Conditions:
Hereditary sensory and autonomic neuropathy type 6. Also called: Neuropathy, hereditary sensory and autonomic, type VI; HSAN VI. Identifiers: Orphanet 314381, MedGen C3539003, MONDO:0013839, OMIM 614653.
Epidermolysis bullosa simplex 3, localized or generalized intermediate, with BP230 deficiency (EBS3). Also called: Epidermolysis bullosa simplex due to BP230 deficiency; Epidermolysis bullosa simplex, autosomal recessive 2. Identifiers: Orphanet 412181, MedGen C3809470, MONDO:0014180, OMIM 615425.

Allele frequency attached by ClinVar (database versions not stated): gnomAD exomes 0.00004; gnomAD 0.00005 and 0.00006; ExAC 0.00006; TOPMed 0.00007; ESP Exome Variant Server 0.00008.
gnomAD v4.1: 16 of 1,613,960 alleles (0.00099%); highest among the groups gnomAD compares: African/African-American, 0.017%; no homozygotes.

Submission:

Labcorp Genetics (formerly Invitae), Labcorp
Classification: Uncertain significance for Epidermolysis bullosa simplex 3, localized or generalized intermediate, with BP230 deficiency; Hereditary sensory and autonomic neuropathy type 6. Last evaluated: 2024-05-22. Review status: criteria provided, single submitter. Criteria: Invitae Variant Classification Sherloc (09022015). Collection method: clinical testing. Allele origin: germline.
Comment: This sequence change replaces serine, which is neutral and polar, with phenylalanine, which is neutral and non-polar, at codon 2340 of the DST protein (p.Ser2340Phe). This variant is present in population databases (rs146858008, gnomAD 0.05%). This variant has not been reported in the literature in individuals affected with DST-related conditions. ClinVar contains an entry for this variant (Variation ID: 1462075). An algorithm developed to predict the effect of missense changes on protein structure and function (PolyPhen-2) suggests that this variant is likely to be disruptive. In summary, the available evidence is currently insufficient to determine the role of this variant in disease. Therefore, it has been classified as a Variant of Uncertain Significance.